The following is an entry in ClinVar:

ClinVar aggregate classification (germline): Pathogenic (1 of 4 stars; one submission).

Conditions:
Neuromuscular disease caused by qualitative or quantitative defects of dysferlin. Also called: Qualitative or quantitative defects of dysferlin; Dysferlinopathy. Identifiers: Orphanet 207073, MedGen C2931687, MONDO:0016145.

Submission:

Labcorp Genetics (formerly Invitae), Labcorp
Classification: Pathogenic for Neuromuscular disease caused by qualitative or quantitative defects of dysferlin. Last evaluated: 2023-09-15. Review status: criteria provided, single submitter. Criteria: Invitae Variant Classification Sherloc (09022015). Collection method: clinical testing. Allele origin: unknown.
Comment: This variant is a gross deletion of the genomic region encompassing exon(s) 22-32 of the DYSF gene. This deletion is out-of-frame, and is expected to create a premature termination codon and result in an absent or disrupted protein product. Loss-of-function variants in DYSF are known to be pathogenic (PMID: 17698709, 20301480). This variant has not been reported in the literature in individuals affected with DYSF-related conditions. For these reasons, this variant has been classified as Pathogenic.

Literature cited by the submitters: PubMed 17698709; PubMed 20301480.

NC_000002.11:g.(?_71783075)_(71817438_?)del

Gene: DYSF (dysferlin; plus strand). Cytogenetic location: 2p13.2.
Variant type: Deletion.
Identifiers: ClinVar variation 3247371 (VCV003247371.1).